The following is an entry in ClinVar:

NM_006767.4(LZTR1):c.1261-1G>T

Gene: LZTR1 (leucine zipper like post translational regulator 1; plus strand). Cytogenetic location: 22q11.21.
Variant type: single nucleotide variant.
Coding change: c.1261-1G>T on transcript NM_006767.4 (MANE Select); the canonical splice acceptor site of the intron before coding-DNA position 1261, G replaced by T.
Molecular consequence: splice acceptor variant.
Genome position (GRCh38, 1-based): chr22:20,993,661, G>T. VCF-style: chr22-20993661-G-T. GRCh37 (hg19) VCF-style: chr22-21347950-G-T.
Other names: c.1261-1G>T (NM_006767.3).
Identifiers: ClinVar variation 2676412 (VCV002676412.2), dbSNP rs2518619857, ClinGen allele CA410774225.
Genomic context (GRCh38, chr22:20,993,661, plus strand): 5'-CAGCCACACTGGGGCCACCCTGCTGTCTGCAACATCTAGTCTCACTGGGCCCCTCTTGCA[G>T]TTCTCCTGTTACCCTAAATGCACGCTGCACGAGGACTACGGGCGGCTGTGGGAGAGCCGC-3'

ClinVar aggregate classification (germline): Uncertain significance. Review status: criteria provided, multiple submitters, no conflicts (2 of 4 stars). 2 submissions from 2 submitters: Uncertain significance (2). Last evaluated 2025-12-11.

Conditions:
Cardiovascular phenotype. Identifiers: MedGen CN230736.
Hereditary cancer-predisposing syndrome. Also called: Neoplastic Syndromes, Hereditary; Tumor predisposition; Hereditary Cancer Syndrome; Hereditary neoplastic syndrome. Identifiers: Orphanet 140162, MedGen C0027672, MeSH D009386, MONDO:0015356.
LZTR1-related schwannomatosis. Also called: Schwannomatosis 2; Schwannomatosis-2, susceptibility to. Identifiers: Orphanet 93921, MedGen C3810283, MONDO:0014299, OMIM 615670.

Submissions (2):

Ambry Genetics
Classification: Uncertain significance for Cardiovascular phenotype; Hereditary cancer-predisposing syndrome. Last evaluated: 2025-12-11. Review status: criteria provided, single submitter. Criteria: Ambry Variant Classification Scheme 2023. Collection method: clinical testing. Allele origin: germline.
Comment: The c.1261-1G>T intronic variant results from a G to T substitution one nucleotide upstream from coding exon 12 of the LZTR1 gene. Alterations that disrupt the canonical splice site are expected to result in aberrant splicing. In silico splice site analysis predicts that this alteration will weaken the native splice acceptor site and may result in the creation or strengthening of a novel splice acceptor site. A resulting transcript is predicted to be in-frame and is not expected to trigger nonsense-mediated mRNAdecay; although, direct evidence is unavailable. This nucleotide position is highly conserved in available vertebrate species. Based on the available evidence, the clinical significance of this variant remains unclear.

Baylor Genetics
Classification: Uncertain significance for LZTR1-related schwannomatosis. Last evaluated: 2023-04-05. Review status: criteria provided, single submitter. Criteria: ACMG Guidelines, 2015. Collection method: clinical testing. Allele origin: unknown.